The following is an entry in ClinVar:

ClinVar aggregate classification (germline): Conflicting classifications of pathogenicity. Review status: criteria provided, conflicting classifications (1 of 4 stars). 5 submissions from 5 submitters: Uncertain significance (1); Likely benign (3). 1 of the submissions does not count toward it. Last evaluated 2025-12-23.

Conditions:
Inborn genetic diseases. Identifiers: MedGen C0950123, MeSH D030342.
KDM6A-related disorder. Also called: KDM6A-related condition.
Kabuki syndrome 2 (KABUK2). Also called: KDM6A-Related Kabuki Syndrome. Identifiers: Orphanet 2322, MedGen C3275495, MONDO:0010465, OMIM 300867.

Allele frequency attached by ClinVar (database versions not stated): gnomAD exomes 0.00002 and 0.00004; ExAC 0.00006; ESP Exome Variant Server 0.00019; gnomAD 0.00019 and 0.00020; TOPMed 0.00022; 1000 Genomes Project 0.00026; 1000 Genomes Project 30x 0.00042.
gnomAD v4.1: 37 of 1,207,763 alleles (0.0031%); highest among the groups gnomAD compares: African/African-American, 0.063%; no homozygotes.

Submissions (5):

Labcorp Genetics (formerly Invitae), Labcorp
Classification: Likely benign for Kabuki syndrome 2. Last evaluated: 2025-12-23. Review status: criteria provided, single submitter. Criteria: Invitae Variant Classification Sherloc (09022015). Collection method: clinical testing. Allele origin: germline.

Ambry Genetics
Classification: Likely benign for Inborn genetic diseases. Last evaluated: 2025-08-06. Review status: criteria provided, single submitter. Criteria: Ambry Variant Classification Scheme 2023. Collection method: clinical testing. Allele origin: germline.

GeneDx
Classification: Likely benign. Last evaluated: 2021-04-01. Review status: criteria provided, single submitter. Criteria: GeneDx Variant Classification Process June 2021. Collection method: clinical testing. Allele origin: germline. Affected: yes.

Eurofins Ntd Llc (ga)
Classification: Uncertain significance. Last evaluated: 2015-11-17. Review status: criteria provided, single submitter. Criteria: EGL Classification Definitions 2015. Collection method: clinical testing. Allele origin: germline. Observed: 2 variant alleles, 1 heterozygote, 1 hemizygote.

PreventionGenetics, part of Exact Sciences
Classification: Likely benign for KDM6A-related condition. Last evaluated: 2024-01-11. Review status: no assertion criteria provided. Collection method: clinical testing. Allele origin: germline. Not counted in ClinVar's aggregate classification.
Comment: This variant is classified as likely benign based on ACMG/AMP sequence variant interpretation guidelines (Richards et al. 2015 PMID: 25741868, with internal and published modifications).

NM_001291415.2(KDM6A):c.2212C>T (p.Pro738Ser)

Gene: KDM6A (lysine demethylase 6A; plus strand). Cytogenetic location: Xp11.3.
Variant type: single nucleotide variant.
Coding change: c.2212C>T on transcript NM_001291415.2 (MANE Select); coding-DNA position 2212, C replaced by T.
Protein change: p.Pro738Ser; replaces proline 738 with serine.
Molecular consequence: missense variant. On other transcripts: non-coding transcript variant (1).
Genome position (GRCh38, 1-based): chrX:45,069,711, C>T. VCF-style: chrX-45069711-C-T. GRCh37 (hg19) VCF-style: chrX-44928956-C-T.
Other names: c.2077C>T, p.Pro693Ser (NM_001291416.2); c.1921C>T, p.Pro641Ser (NM_001291417.2); c.1819C>T, p.Pro607Ser (NM_001291418.2); c.1168C>T, p.Pro390Ser (NM_001291421.2); c.2056C>T, p.Pro686Ser (NM_021140.4); short protein forms P686S, P738S, P607S, P641S, P693S, P390S.
Identifiers: ClinVar variation 284610 (VCV000284610.20), dbSNP rs200638114, ClinGen allele CA10392483.
Genomic context (GRCh38, chrX:45,069,711, plus strand): 5'-TCCCAGCATCTCCAGGCAGCTGGCTCTGGTATTCAGAATCAGAACGGACATCCCACCCTG[C>T]CTAGCAATTCAGTAACACAGGGGGCTGCTCTCAATCACCTCTCCTCTCACACTGCTACCT-3'
Protein context (NP_001278344.1, residues 728-748): IQNQNGHPTL[Pro738Ser]SNSVTQGAAL